The following is an entry in ClinVar:

NM_004453.4(ETFDH):c.472G>A (p.Val158Met)

Gene: ETFDH (electron transfer flavoprotein dehydrogenase; plus strand). Cytogenetic location: 4q32.1.
Variant type: single nucleotide variant.
Coding change: c.472G>A on transcript NM_004453.4 (MANE Select); coding-DNA position 472, G replaced by A.
Protein change: p.Val158Met; replaces valine 158 with methionine.
Molecular consequence: missense variant.
Genome position (GRCh38, 1-based): chr4:158,684,658, G>A. VCF-style: chr4-158684658-G-A. GRCh37 (hg19) VCF-style: chr4-159605810-G-A.
Other names: c.331G>A, p.Val111Met (NM_001281737.2); c.289G>A, p.Val97Met (NM_001281738.1); short protein forms V111M, V158M, V97M.
Identifiers: ClinVar variation 1450282 (VCV001450282.5), dbSNP rs774614480, ClinGen allele CA358575153.

ClinVar aggregate classification (germline): Uncertain significance (1 of 4 stars; one submission).

Conditions:
Multiple acyl-CoA dehydrogenase deficiency (MADD). Also called: ETHYLMALONIC-ADIPICACIDURIA; GA II; Glutaric acidemia type II; GA 2; Glutaric Acidemia type 2; Glutaric aciduria, type 2. Identifiers: Orphanet 26791, MedGen C0268596, MONDO:0009282, OMIM 231680.

Allele frequency attached by ClinVar (database versions not stated): gnomAD 0.00001; TOPMed 0.00001.

Submission:

Labcorp Genetics (formerly Invitae), Labcorp
Classification: Uncertain significance for Multiple acyl-CoA dehydrogenase deficiency. Last evaluated: 2025-10-01. Review status: criteria provided, single submitter. Criteria: Invitae Variant Classification Sherloc (09022015). Collection method: clinical testing. Allele origin: germline.
Comment: This sequence change replaces valine, which is neutral and non-polar, with methionine, which is neutral and non-polar, at codon 158 of the ETFDH protein (p.Val158Met). This variant is not present in population databases (gnomAD no frequency). This variant has not been reported in the literature in individuals affected with ETFDH-related conditions. ClinVar contains an entry for this variant (Variation ID: 1450282). Invitae Evidence Modeling of protein sequence and biophysical properties (such as structural, functional, and spatial information, amino acid conservation, physicochemical variation, residue mobility, and thermodynamic stability) indicates that this missense variant is not expected to disrupt ETFDH protein function with a negative predictive value of 80%. In summary, the available evidence is currently insufficient to determine the role of this variant in disease. Therefore, it has been classified as a Variant of Uncertain Significance.